The following is an entry in ClinVar:

NM_017636.4(TRPM4):c.2380C>T (p.Leu794=)

Gene: TRPM4 (transient receptor potential cation channel subfamily M member 4; plus strand). Cytogenetic location: 19q13.33.
Variant type: single nucleotide variant.
Coding change: c.2380C>T on transcript NM_017636.4 (MANE Select); coding-DNA position 2380, C replaced by T.
Protein change: p.Leu794=; no amino-acid change (leucine 794 retained).
Molecular consequence: synonymous variant. On other transcripts: intron variant (1).
Genome position (GRCh38, 1-based): chr19:49,196,609, C>T. VCF-style: chr19-49196609-C-T. GRCh37 (hg19) VCF-style: chr19-49699866-C-T.
Other names: c.2211-3691C>T (NM_001195227.2); c.1318C>T, p.Leu440= (NM_001321285.2); c.1858C>T, p.Leu620= (NM_001321283.2); c.772C>T, p.Leu258= (NM_001321282.2); c.2035C>T, p.Leu679= (NM_001321281.2).
Identifiers: ClinVar variation 329864 (VCV000329864.25), dbSNP rs3745301, ClinGen allele CA9569540.

ClinVar aggregate classification (germline): Benign. Review status: criteria provided, multiple submitters, no conflicts (2 of 4 stars). 10 submissions from 10 submitters: Benign (8). 2 of the submissions do not count toward it. Last evaluated 2026-03-27.

Conditions:
Cardiovascular phenotype. Identifiers: MedGen CN230736.
Progressive familial heart block type IB (PFHB1B). Identifiers: Orphanet 871, MedGen C1970298, MONDO:0011474, OMIM 604559.

Allele frequency attached by ClinVar (database versions not stated): gnomAD exomes 0.05632 and 0.07007; ESP Exome Variant Server 0.06281; gnomAD 0.07523 and 0.07536; TOPMed 0.08119; ExAC 0.10012; 1000 Genomes Project 30x 0.11134; 1000 Genomes Project 0.11242.
gnomAD v4.1: 91,583 of 1,555,502 alleles (5.9%); highest among the groups gnomAD compares: East Asian, 15%; 3,211 homozygotes.

Submissions (10):

Molecular Diagnostic Laboratory for Inherited Cardiovascular Disease, Montreal Heart Institute
Classification: Benign. Last evaluated: 2026-03-27. Review status: criteria provided, single submitter. Criteria: ACMG Guidelines, 2015. Collection method: clinical testing. Allele origin: germline. Affected: no.

Labcorp Genetics (formerly Invitae), Labcorp
Classification: Benign for Progressive familial heart block type IB. Last evaluated: 2026-02-04. Review status: criteria provided, single submitter. Criteria: Invitae Variant Classification Sherloc (09022015). Collection method: clinical testing. Allele origin: germline.

Blueprint Genetics
Classification: Benign. Last evaluated: 2024-11-28. Review status: criteria provided, single submitter. Criteria: ACMG Guidelines, 2015. Collection method: clinical testing. Allele origin: germline.

Women's Health and Genetics/Laboratory Corporation of America, LabCorp
Classification: Benign. Last evaluated: 2023-04-10. Review status: criteria provided, single submitter. Criteria: LabCorp Variant Classification Summary - May 2015. Collection method: clinical testing. Allele origin: germline.

Illumina Laboratory Services, Illumina
Classification: Benign for Progressive familial heart block type IB. Last evaluated: 2018-01-12. Review status: criteria provided, single submitter. Criteria: ICSL Variant Classification Criteria 13 December 2019. Collection method: clinical testing. Allele origin: germline.
Comment: This variant was observed in the ICSL laboratory as part of a predisposition screen in an ostensibly healthy population. It had not been previously curated by ICSL or reported in the Human Gene Mutation Database (HGMD: prior to June 1st, 2018), and was therefore a candidate for classification through an automated scoring system. Utilizing variant allele frequency, disease prevalence and penetrance estimates, and inheritance mode, an automated score was calculated to assess if this variant is too frequent to cause the disease. Based on the score and internal cut-off values, a variant classified as benign is not then subjected to further curation. The score for this variant resulted in a classification of benign for this disease.

GeneDx
Classification: Benign. Last evaluated: 2016-09-28. Review status: criteria provided, single submitter. Criteria: GeneDx Variant Classification (06012015). Collection method: clinical testing. Allele origin: germline. Affected: yes.
Comment: This variant is considered likely benign or benign based on one or more of the following criteria: it is a conservative change, it occurs at a poorly conserved position in the protein, it is predicted to be benign by multiple in silico algorithms, and/or has population frequency not consistent with disease.

Ambry Genetics
Classification: Benign for Cardiovascular phenotype. Last evaluated: 2015-03-23. Review status: criteria provided, single submitter. Criteria: Ambry Variant Classification Scheme 2023. Collection method: clinical testing. Allele origin: germline.

Breakthrough Genomics
Classification: Benign. Review status: criteria provided, single submitter. Criteria: ACMG Guidelines, 2015. Collection method: not provided. Allele origin: germline. Inheritance: Autosomal dominant inheritance. Affected: yes.

Clinical Genetics, Academic Medical Center
Classification: Benign. Review status: no assertion criteria provided. Collection method: clinical testing. Allele origin: germline. Affected: yes. Study: VKGL Data-share Consensus. Not counted in ClinVar's aggregate classification.

Joint Genome Diagnostic Labs from Nijmegen and Maastricht, Radboudumc and MUMC+
Classification: Benign. Review status: no assertion criteria provided. Collection method: clinical testing. Allele origin: germline. Affected: yes. Study: VKGL Data-share Consensus. Not counted in ClinVar's aggregate classification.